The following is an entry in ClinVar:

NM_000214.3(JAG1):c.1339T>C (p.Cys447Arg)

Gene: JAG1 (jagged canonical Notch ligand 1; minus strand). Cytogenetic location: 20p12.2.
Variant type: single nucleotide variant.
Coding change: c.1339T>C on transcript NM_000214.3 (MANE Select); coding-DNA position 1339, T replaced by C.
Protein change: p.Cys447Arg; replaces cysteine 447 with arginine.
Molecular consequence: missense variant.
Genome position (GRCh38, 1-based): chr20:10,649,531, A>G on the plus strand (T>C on the coding strand, the complement: JAG1 is on the minus strand). VCF-style: chr20-10649531-A-G. GRCh37 (hg19) VCF-style: chr20-10630179-A-G.
Other names: c.1339T>C, p.Cys447Arg (LRG_1191t1); short protein forms C447R.
Identifiers: ClinVar variation 213532 (VCV000213532.3), dbSNP rs863223651, ClinGen allele CA320968.

ClinVar aggregate classification (germline): Conflicting classifications of pathogenicity. Review status: criteria provided, conflicting classifications (1 of 4 stars). 2 submissions from 2 submitters: Likely pathogenic (1); Uncertain significance (1). Last evaluated 2015-05-29.

Submissions (2):

GeneDx
Classification: Likely pathogenic. Last evaluated: 2015-05-29. Review status: criteria provided, single submitter. Criteria: GeneDx Variant Classification (06012015). Collection method: clinical testing. Allele origin: germline. Affected: yes.
Comment: C447R is a non-conservative amino acid substitution, which is likely to impact secondary protein structure as these residues differ in polarity, charge, size and/or other properties. This substitution occurs at a position that is conserved across species. In silico analysis predicts this variant is probably damaging to the protein structure/function It was not observed in approximately 6,500 individuals of European and African American ancestry in the NHLBI Exome Sequencing Project, indicating it is not a common benign variant in these populations. C447R is a non-conservative amino acid substitution, which is likely to impact secondary protein structure as these residues differ in polarity, charge, size and/or other properties. This substitution occurs at a position that is conserved across species. In silico analysis predicts this variant is probably damaging to the protein structure/function.This variant was found in JAG1

Stanford Center for Inherited Cardiovascular Disease, Stanford University
Classification: Uncertain significance. Last evaluated: 2014-07-15. Review status: criteria provided, single submitter. Criteria: ACMG Guidelines, 2015. Collection method: provider interpretation. Allele origin: germline.